The following is an entry in ClinVar:

ClinVar aggregate classification (germline): Benign/Likely benign. Review status: criteria provided, multiple submitters, no conflicts (2 of 4 stars). 3 submissions from 3 submitters: Benign (1); Likely benign (2). Last evaluated 2024-06-11.

Conditions:
Oculofaciocardiodental syndrome (MCOPS2). Identifiers: Orphanet 2712, MedGen C1846265, MONDO:0010261, OMIM 300166.

Allele frequency attached by ClinVar (database versions not stated): TOPMed 0.00014; ExAC 0.00030; gnomAD exomes 0.00032 and 0.00050; gnomAD 0.00033 and 0.00034.

Submissions (3):

Blueprint Genetics
Classification: Likely benign. Last evaluated: 2024-06-11. Review status: criteria provided, single submitter. Criteria: ACMG Guidelines, 2015. Collection method: clinical testing. Allele origin: germline.

Labcorp Genetics (formerly Invitae), Labcorp
Classification: Benign for Oculofaciocardiodental syndrome. Last evaluated: 2024-02-17. Review status: criteria provided, single submitter. Criteria: Invitae Variant Classification Sherloc (09022015). Collection method: clinical testing. Allele origin: germline.

CeGaT Center for Human Genetics Tuebingen
Classification: Likely benign. Last evaluated: 2024-02-01. Review status: criteria provided, single submitter. Criteria: CeGaT Center For Human Genetics Tuebingen Variant Classification Criteria Version 2. Collection method: clinical testing. Allele origin: germline. Affected: yes. Observed: 1 variant allele.
Comment: BCOR: BS2

NM_001123385.2(BCOR):c.946C>T (p.Pro316Ser)

Genes: BCOR (BCL6 corepressor; minus strand), LOC126863239 (MED14-independent group 3 enhancer GRCh37_chrX:39932994-39934193; plus strand). Cytogenetic location: Xp11.4.
Variant type: single nucleotide variant.
Coding change: c.946C>T on transcript NM_001123385.2 (MANE Select); coding-DNA position 946, C replaced by T.
Protein change: p.Pro316Ser; replaces proline 316 with serine.
Molecular consequence: missense variant.
Genome position (GRCh38, 1-based): chrX:40,074,400, G>A on the plus strand (C>T on the coding strand, the complement: BCOR is on the minus strand). VCF-style: chrX-40074400-G-A. GRCh37 (hg19) VCF-style: chrX-39933653-G-A.
Other names: c.946C>T, p.Pro316Ser (NM_001123383.2, NM_001123384.2, NM_017745.6); short protein forms P316S.
Identifiers: ClinVar variation 697837 (VCV000697837.34), dbSNP rs200052076, ClinGen allele CA10386990.